The following is an entry in ClinVar:

ClinVar aggregate classification (germline): Uncertain significance (1 of 4 stars; one submission).

Conditions:
Familial adenomatous polyposis 1 (FAP1). Also called: FAMILIAL ADENOMATOUS POLYPOSIS 1, ATTENUATED; POLYPOSIS, ADENOMATOUS INTESTINAL. Identifiers: MedGen C2713442, MONDO:0021056, OMIM 175100. Disease mechanism: loss of function.

Submission:

Labcorp Genetics (formerly Invitae), Labcorp
Classification: Uncertain significance for Familial adenomatous polyposis 1. Last evaluated: 2019-12-11. Review status: criteria provided, single submitter. Criteria: Invitae Variant Classification Sherloc (09022015). Collection method: clinical testing. Allele origin: germline.
Comment: This variant has not been reported in the literature in individuals with APC-related conditions. This variant is not present in population databases (ExAC no frequency). This sequence change replaces phenylalanine with serine at codon 1271 of the APC protein (p.Phe1271Ser). The phenylalanine residue is highly conserved and there is a large physicochemical difference between phenylalanine and serine. Algorithms developed to predict the effect of missense changes on protein structure and function are either unavailable or do not agree on the potential impact of this missense change (SIFT: "Deleterious"; PolyPhen-2: "Probably Damaging"; Align-GVGD: "Class C0"). In summary, the available evidence is currently insufficient to determine the role of this variant in disease. Therefore, it has been classified as a Variant of Uncertain Significance.

NM_000038.6(APC):c.3812T>C (p.Phe1271Ser)

Gene: APC (APC regulator of Wnt signaling pathway; plus strand). Cytogenetic location: 5q22.2.
Variant type: single nucleotide variant.
Coding change: c.3812T>C on transcript NM_000038.6 (MANE Select); coding-DNA position 3812, T replaced by C.
Protein change: p.Phe1271Ser; replaces phenylalanine 1271 with serine.
Molecular consequence: missense variant.
Genome position (GRCh38, 1-based): chr5:112,839,406, T>C. VCF-style: chr5-112839406-T-C. GRCh37 (hg19) VCF-style: chr5-112175103-T-C.
Other names: c.3812T>C, p.Phe1271Ser (NM_001127510.3, NM_001354895.2); c.3758T>C, p.Phe1253Ser (NM_001127511.3); c.3866T>C, p.Phe1289Ser (NM_001354896.2); c.3842T>C, p.Phe1281Ser (NM_001354897.2); c.3737T>C, p.Phe1246Ser (NM_001354898.2); c.3728T>C, p.Phe1243Ser (NM_001354899.2); c.3689T>C, p.Phe1230Ser (NM_001354900.2); c.3635T>C, p.Phe1212Ser (NM_001354901.2); and 5 more; short protein forms F1111S, F1180S, F1230S, F1243S, F1246S, F1253S, F1281S, F1212S.
Identifiers: ClinVar variation 844633 (VCV000844633.11), dbSNP rs1765529624, ClinGen allele CA16029695.